The following is an entry in ClinVar:

NM_001080421.3(UNC13A):c.4903C>T (p.Leu1635=)

Gene: UNC13A (unc-13 homolog A; minus strand). Cytogenetic location: 19p13.11.
Variant type: single nucleotide variant.
Coding change: c.4903C>T on transcript NM_001080421.3 (MANE Select); coding-DNA position 4903, C replaced by T.
Protein change: p.Leu1635=; no amino-acid change (leucine 1635 retained).
Molecular consequence: synonymous variant.
Genome position (GRCh38, 1-based): chr19:17,606,263, G>A on the plus strand (C>T on the coding strand, the complement: UNC13A is on the minus strand). VCF-style: chr19-17606263-G-A. GRCh37 (hg19) VCF-style: chr19-17717072-G-A.
Other names: c.4891C>T, p.Leu1631= (NM_001387021.1); c.4888C>T, p.Leu1630= (NM_001387022.1); c.4822C>T, p.Leu1608= (NM_001387023.1).
Identifiers: ClinVar variation 3358253 (VCV003358253.1).

ClinVar aggregate classification (germline): Likely benign (0 of 4 stars; one submission).

Conditions:
UNC13A-related disorder. Also called: UNC13A-related condition.

gnomAD v4.1: 4 of 1,547,254 alleles (0.00026%); highest among the groups gnomAD compares: African/African-American, 0.0028%; no homozygotes.

Submission:

PreventionGenetics, part of Exact Sciences
Classification: Likely benign for UNC13A-related condition. Last evaluated: 2024-05-20. Review status: no assertion criteria provided. Collection method: clinical testing. Allele origin: germline.
Comment: This variant is classified as likely benign based on ACMG/AMP sequence variant interpretation guidelines (Richards et al. 2015 PMID: 25741868, with internal and published modifications).